The following is an entry in ClinVar:

NM_001354604.2(MITF):c.436A>G (p.Thr146Ala)

Gene: MITF (melanocyte inducing transcription factor; plus strand). Cytogenetic location: 3p13.
Variant type: single nucleotide variant.
Coding change: c.436A>G on transcript NM_001354604.2 (MANE Select); coding-DNA position 436, A replaced by G.
Protein change: p.Thr146Ala; replaces threonine 146 with alanine.
Molecular consequence: missense variant. On other transcripts: intron variant (1).
Genome position (GRCh38, 1-based): chr3:69,937,903, A>G. VCF-style: chr3-69937903-A-G. GRCh37 (hg19) VCF-style: chr3-69987054-A-G.
Other names: c.115A>G, p.Thr39Ala (NM_000248.4, NM_001184968.2, NM_198158.3); c.280A>G, p.Thr94Ala (NM_001184967.2, NM_001354608.2); c.433A>G, p.Thr145Ala (NM_001354605.2, NM_001354606.2, NM_006722.3); c.385A>G, p.Thr129Ala (NM_001354607.2); c.436A>G, p.Thr146Ala (NM_198159.3); c.388A>G, p.Thr130Ala (NM_198177.3); c.93+22A>G (NM_198178.3); short protein forms T146A, T39A, T129A, T130A, T145A, T94A.
Identifiers: ClinVar variation 4783199 (VCV004783199.1).
Genomic context (GRCh38, chr3:69,937,903, plus strand): 5'-CCCACCAAGTACCACATACAGCAAGCCCAACGGCAGCAGGTAAAGCAGTACCTTTCTACC[A>G]CTTTAGCAAATAAACATGCCAACCAAGTCCTGAGCTTGCCATGTCCAAACCAGCCTGGCG-3'
Protein context (NP_001341533.1, residues 136-156): RQQVKQYLST[Thr146Ala]LANKHANQVL

ClinVar aggregate classification (germline): Uncertain significance (1 of 4 stars; one submission).

Conditions:
Tietz syndrome (TADS). Also called: ALBINISM-DEAFNESS OF TIETZ; HYPOPIGMENTATION/DEAFNESS OF TIETZ; TIETZ ALBINISM-DEAFNESS SYNDROME. Identifiers: Orphanet 42665, MedGen C0391816, MONDO:0007077, OMIM 103500.
Waardenburg syndrome type 2A (WS2A). Also called: WAARDENBURG SYNDROME WITHOUT DYSTOPIA CANTHORUM. Identifiers: Orphanet 3440, MedGen C1860339, MONDO:0008671, OMIM 193510.
Melanoma, cutaneous malignant, susceptibility to, 8. Also called: MELANOMA AND RENAL CELL CARCINOMA, SUSCEPTIBILITY TO; Cutaneous malignant melanoma 8. Identifiers: Orphanet 293822, MedGen C3152204, MONDO:0013759, OMIM 614456.

Submission:

Labcorp Genetics (formerly Invitae), Labcorp
Classification: Uncertain significance for Melanoma, cutaneous malignant, susceptibility to, 8; Waardenburg syndrome type 2A; Tietz syndrome. Last evaluated: 2024-10-02. Review status: criteria provided, single submitter. Criteria: Invitae Variant Classification Sherloc (09022015). Collection method: clinical testing. Allele origin: germline.
Comment: This sequence change replaces threonine, which is neutral and polar, with alanine, which is neutral and non-polar, at codon 39 of the MITF protein (p.Thr39Ala). This variant is not present in population databases (gnomAD no frequency). This variant has not been reported in the literature in individuals affected with MITF-related conditions. Invitae Evidence Modeling of protein sequence and biophysical properties (such as structural, functional, and spatial information, amino acid conservation, physicochemical variation, residue mobility, and thermodynamic stability) indicates that this missense variant is not expected to disrupt MITF protein function with a negative predictive value of 80%. In summary, the available evidence is currently insufficient to determine the role of this variant in disease. Therefore, it has been classified as a Variant of Uncertain Significance.